The following is an entry in ClinVar:

ClinVar aggregate classification (germline): Pathogenic. Review status: criteria provided, multiple submitters, no conflicts (2 of 4 stars). 2 submissions from 2 submitters: Pathogenic (2). Last evaluated 2025-06-27.

Conditions:
TWIST1-related craniosynostosis (CRS1). Also called: CRANIOSYNOSTOSIS 1. Identifiers: Orphanet 63440, MedGen C4551902, MONDO:0007399, OMIM 123100. Inheritance: Heterogenous inheritance pattern.

Submissions (2):

GeneDx
Classification: Pathogenic. Last evaluated: 2025-06-27. Review status: criteria provided, single submitter. Criteria: GeneDx Variant Classification Process June 2021. Collection method: clinical testing. Allele origin: germline. Affected: yes.
Comment: Not observed at significant frequency in large population cohorts (gnomAD); In-frame deletion of one amino acid in a non-repeat region; In silico analysis supports a deleterious effect on protein structure/function; This variant is associated with the following publications: (PMID: 33057194, 35982159, 39668184, 31785789)

Labcorp Genetics (formerly Invitae), Labcorp
Classification: Pathogenic for TWIST1-related craniosynostosis. Last evaluated: 2025-01-07. Review status: criteria provided, single submitter. Criteria: Invitae Variant Classification Sherloc (09022015). Collection method: clinical testing. Allele origin: germline.
Comment: This variant, c.911_913del, results in the deletion of 1 amino acid(s) of the ERF protein (p.Ser304del), but otherwise preserves the integrity of the reading frame. This variant is not present in population databases (gnomAD no frequency). This variant has been observed in individual(s) with clinical features of ERF-related conditions (PMID: 31785789, 39668184; internal data). In at least one individual the variant was observed to be de novo. ClinVar contains an entry for this variant (Variation ID: 1502851). Experimental studies and prediction algorithms are not available or were not evaluated, and the functional significance of this variant is currently unknown. For these reasons, this variant has been classified as Pathogenic.

Literature cited by the submitters: PubMed 31785789 (cited by Labcorp Genetics (formerly Invitae), Labcorp); PubMed 39668184 (cited by Labcorp Genetics (formerly Invitae), Labcorp).

NM_006494.4(ERF):c.911_913del (p.Ser304del)

Gene: ERF (ETS2 repressor factor; minus strand). Cytogenetic location: 19q13.2.
Variant type: Deletion.
Coding change: c.911_913del on transcript NM_006494.4 (MANE Select); coding-DNA positions 911 to 913, 3 bases deleted (CCT; older notation c.911_913delCCT).
Protein change: p.Ser304del; deletes serine 304.
Molecular consequence: inframe deletion.
Genome position (GRCh38, 1-based): chr19:42,249,199-42,249,201, AGG deleted on the plus strand (CCT on the coding strand, the reverse complement: ERF is on the minus strand); deleting any 3 consecutive bases within chr19:42,249,199-42,249,203 gives the same sequence; the c. name uses the placement nearest the transcript's 3' end. VCF-style (leftmost placement, unchanged base first): chr19-42249198-AAGG-A. GRCh37 (hg19) VCF-style: chr19-42753350-AAGG-A.
Other names: c.911_913del (NM_006494.2); c.686_688del, p.Ser229del (NM_001301035.2, NM_001308402.2, NM_001312656.2); short protein forms S229del, S304del.
Identifiers: ClinVar variation 1502851 (VCV001502851.7), dbSNP rs2146949300, ClinGen allele CA2573156422.